The following is an entry in ClinVar:

NM_000465.4(BARD1):c.1853T>A (p.Leu618Ter)

Gene: BARD1 (BRCA1 associated RING domain 1; minus strand). Cytogenetic location: 2q35.
Variant type: single nucleotide variant.
Coding change: c.1853T>A on transcript NM_000465.4 (MANE Select); coding-DNA position 1853, T replaced by A.
Protein change: p.Leu618Ter; replaces leucine 618 with a stop codon.
Molecular consequence: nonsense. On other transcripts: non-coding transcript variant (3), intron variant (1).
Genome position (GRCh38, 1-based): chr2:214,745,117, A>T on the plus strand (T>A on the coding strand, the complement: BARD1 is on the minus strand). VCF-style: chr2-214745117-A-T. GRCh37 (hg19) VCF-style: chr2-215609841-A-T.
Other names: c.1796T>A, p.Leu599Ter (NM_001282543.2); c.500T>A, p.Leu167Ter (NM_001282545.2); c.443T>A, p.Leu148Ter (NM_001282548.2); c.365-14609T>A (NM_001282549.2); short protein forms L618*, L599*, L148*, L167*.
Identifiers: ClinVar variation 1781377 (VCV001781377.2), dbSNP rs1553614952, ClinGen allele CA350452206.
Genomic context (GRCh38, chr2:214,745,117, plus strand): 5'-CAACACTTACATTCAAATTTTAGAATCCAGCATCCATTGAGAATCCCAAGCATACACTTC[A>T]AGGTACTTTGAACTGCATCACCAGGAACAACAACATGAGTTACTAAAATACAAAAAAAGC-3'

ClinVar aggregate classification (germline): Pathogenic (1 of 4 stars; one submission).

Conditions:
Hereditary cancer-predisposing syndrome. Also called: Neoplastic Syndromes, Hereditary; Tumor predisposition; Hereditary Cancer Syndrome; Hereditary neoplastic syndrome. Identifiers: Orphanet 140162, MedGen C0027672, MeSH D009386, MONDO:0015356.

Submission:

Ambry Genetics
Classification: Pathogenic for Hereditary cancer-predisposing syndrome. Last evaluated: 2020-07-06. Review status: criteria provided, single submitter. Criteria: Ambry Variant Classification Scheme 2023. Collection method: clinical testing. Allele origin: germline.
Comment: The p.L618* pathogenic mutation (also known as c.1853T>A), located in coding exon 9 of the BARD1 gene, results from a T to A substitution at nucleotide position 1853. This changes the amino acid from a leucine to a stop codon within coding exon 9. This alteration is expected to result in loss of function by premature protein truncation or nonsense-mediated mRNA decay. As such, this alteration is interpreted as a disease-causing mutation.